The following is an entry in ClinVar:

ClinVar aggregate classification (germline): Uncertain significance (1 of 4 stars; one submission).

gnomAD v4.1: 1 of 1,557,678 alleles (0.000064%); highest among the groups gnomAD compares: African/African-American, 0.0014%; no homozygotes.

Submission:

Labcorp Genetics (formerly Invitae), Labcorp
Classification: Uncertain significance. Last evaluated: 2025-08-06. Review status: criteria provided, single submitter. Criteria: Invitae Variant Classification Sherloc (09022015). Collection method: clinical testing. Allele origin: germline.
Comment: This sequence change replaces proline, which is neutral and non-polar, with arginine, which is basic and polar, at codon 123 of the RELB protein (p.Pro123Arg). This variant is not present in population databases (gnomAD no frequency). This variant has not been reported in the literature in individuals affected with RELB-related conditions. An algorithm developed to predict the effect of missense changes on protein structure and function (PolyPhen-2) suggests that this variant is likely to be tolerated. In summary, the available evidence is currently insufficient to determine the role of this variant in disease. Therefore, it has been classified as a Variant of Uncertain Significance.

NM_006509.4(RELB):c.368C>G (p.Pro123Arg)

Gene: RELB (RELB proto-oncogene, NF-kB subunit; plus strand). Cytogenetic location: 19q13.32.
Variant type: single nucleotide variant.
Coding change: c.368C>G on transcript NM_006509.4 (MANE Select); coding-DNA position 368, C replaced by G.
Protein change: p.Pro123Arg; replaces proline 123 with arginine.
Molecular consequence: missense variant.
Genome position (GRCh38, 1-based): chr19:45,012,140, C>G. VCF-style: chr19-45012140-C-G. GRCh37 (hg19) VCF-style: chr19-45515398-C-G.
Other names: c.359C>G, p.Pro120Arg (NM_001411087.1); short protein forms P123R, P120R.
Identifiers: ClinVar variation 4767813 (VCV004767813.1).